The following is an entry in ClinVar:

ClinVar aggregate classification (germline): Uncertain significance (1 of 4 stars; one submission).

gnomAD v4.1: 5 of 1,614,102 alleles (0.00031%); highest among the groups gnomAD compares: Admixed American, 0.0033%; no homozygotes.

Submission:

Labcorp Genetics (formerly Invitae), Labcorp
Classification: Uncertain significance. Last evaluated: 2025-06-22. Review status: criteria provided, single submitter. Criteria: Invitae Variant Classification Sherloc (09022015). Collection method: clinical testing. Allele origin: germline.
Comment: This sequence change replaces lysine, which is basic and polar, with arginine, which is basic and polar, at codon 1218 of the KIDINS220 protein (p.Lys1218Arg). This variant is present in population databases (no rsID available, gnomAD 0.003%). This variant has not been reported in the literature in individuals affected with KIDINS220-related conditions. An algorithm developed to predict the effect of missense changes on protein structure and function outputs the following: PolyPhen-2: "Benign". The arginine amino acid residue is found in multiple mammalian species, which suggests that this missense change does not adversely affect protein function. In summary, the available evidence is currently insufficient to determine the role of this variant in disease. Therefore, it has been classified as a Variant of Uncertain Significance.

NM_020738.4(KIDINS220):c.3653A>G (p.Lys1218Arg)

Gene: KIDINS220 (kinase D interacting substrate 220; minus strand). Cytogenetic location: 2p25.1.
Variant type: single nucleotide variant.
Coding change: c.3653A>G on transcript NM_020738.4 (MANE Select); coding-DNA position 3653, A replaced by G.
Protein change: p.Lys1218Arg; replaces lysine 1218 with arginine.
Molecular consequence: missense variant. On other transcripts: non-coding transcript variant (2).
Genome position (GRCh38, 1-based): chr2:8,736,932, T>C on the plus strand (A>G on the coding strand, the complement: KIDINS220 is on the minus strand). VCF-style: chr2-8736932-T-C. GRCh37 (hg19) VCF-style: chr2-8877062-T-C.
Other names: c.3656A>G, p.Lys1219Arg (NM_001348729.2); c.3599A>G, p.Lys1200Arg (NM_001348731.2); c.3596A>G, p.Lys1199Arg (NM_001348732.2, NM_001348738.2); c.3485A>G, p.Lys1162Arg (NM_001348734.2, NM_001348739.2, NM_001348740.2); c.3482A>G, p.Lys1161Arg (NM_001348735.2, NM_001348741.2, NM_001348742.2 and 1 more transcripts); c.3356A>G, p.Lys1119Arg (NM_001348736.2); short protein forms K1200R, K1218R, K1162R, K1199R, K1219R, K1161R, K1119R.
Identifiers: ClinVar variation 4749865 (VCV004749865.1).
Genomic context (GRCh38, chr2:8,736,932, plus strand): 5'-TTGATCGTGGTACAATACTGAGGCAGCATACTCTGGTCCAGCCCTTCTATTTGTTTCAGC[T>C]TCTCACATACTGCATCCACATTCAGTGAATTCAGTAATACCACTGGGCCTGGGGCTGGGC-3'
Protein context (NP_065789.1, residues 1208-1228): NSLNVDAVCE[Lys1218Arg]LKQIEGLDQS